The following is an entry in ClinVar:

ClinVar aggregate classification (germline): Uncertain significance. Review status: criteria provided, multiple submitters, no conflicts (2 of 4 stars). 3 submissions from 3 submitters: Uncertain significance (3). Last evaluated 2025-11-24.

Conditions:
Hereditary cancer-predisposing syndrome. Also called: Tumor predisposition; Hereditary Cancer Syndrome; Neoplastic Syndromes, Hereditary; Hereditary neoplastic syndrome. Identifiers: Orphanet 140162, MedGen C0027672, MeSH D009386, MONDO:0015356.
Rhabdoid tumor predisposition syndrome 2 (RTPS2). Identifiers: Orphanet 231108, Orphanet 69077, MedGen C2750074, MONDO:0013224, OMIM 613325.

Allele frequency attached by ClinVar (database versions not stated): gnomAD exomes below 0.00001; gnomAD 0.00001.
gnomAD v4.1: 2 of 1,613,904 alleles (0.00012%); highest among the groups gnomAD compares: Non-Finnish European, 0.000085%; no homozygotes.

Submissions (3):

Ambry Genetics
Classification: Uncertain significance for Hereditary cancer-predisposing syndrome. Last evaluated: 2025-11-24. Review status: criteria provided, single submitter. Criteria: Ambry Variant Classification Scheme 2023. Collection method: clinical testing. Allele origin: germline.
Comment: The p.R89H variant (also known as c.266G>A), located in coding exon 2 of the SMARCA4 gene, results from a G to A substitution at nucleotide position 266. The arginine at codon 89 is replaced by histidine, an amino acid with highly similar properties. This amino acid position is well conserved in available vertebrate species. In addition, the in silico prediction for this alteration is inconclusive. Based on the available evidence, the clinical significance of this variant remains unclear.

Labcorp Genetics (formerly Invitae), Labcorp
Classification: Uncertain significance for Rhabdoid tumor predisposition syndrome 2. Last evaluated: 2025-07-03. Review status: criteria provided, single submitter. Criteria: Invitae Variant Classification Sherloc (09022015). Collection method: clinical testing. Allele origin: germline.
Comment: This sequence change replaces arginine, which is basic and polar, with histidine, which is basic and polar, at codon 89 of the SMARCA4 protein (p.Arg89His). This variant is not present in population databases (gnomAD no frequency). This variant has not been reported in the literature in individuals affected with SMARCA4-related conditions. ClinVar contains an entry for this variant (Variation ID: 821652). An algorithm developed to predict the effect of missense changes on protein structure and function (PolyPhen-2) suggests that this variant is likely to be disruptive. In summary, the available evidence is currently insufficient to determine the role of this variant in disease. Therefore, it has been classified as a Variant of Uncertain Significance.

GeneDx
Classification: Uncertain significance. Last evaluated: 2024-03-26. Review status: criteria provided, single submitter. Criteria: GeneDx Variant Classification Process June 2021. Collection method: clinical testing. Allele origin: germline. Affected: yes.
Comment: Not observed at significant frequency in large population cohorts (gnomAD); In silico analysis supports that this missense variant does not alter protein structure/function; Has not been previously published as pathogenic or benign to our knowledge

NM_003072.5(SMARCA4):c.266G>A (p.Arg89His)

Gene: SMARCA4 (SWI/SNF related BAF chromatin remodeling complex subunit ATPase 4; plus strand). Cytogenetic location: 19p13.2.
Variant type: single nucleotide variant.
Coding change: c.266G>A on transcript NM_003072.5 (MANE Select); coding-DNA position 266, G replaced by A.
Protein change: p.Arg89His; replaces arginine 89 with histidine.
Molecular consequence: missense variant. On other transcripts: non-coding transcript variant (1).
Genome position (GRCh38, 1-based): chr19:10,985,316, G>A. VCF-style: chr19-10985316-G-A. GRCh37 (hg19) VCF-style: chr19-11095992-G-A.
Other names: c.266G>A, p.Arg89His (NM_001128844.3, NM_001128845.2, NM_001128846.2 and 4 more transcripts); short protein forms R89H.
Identifiers: ClinVar variation 821652 (VCV000821652.14), dbSNP rs1599941069, ClinGen allele CA404055170.